The following is an entry in ClinVar:

NM_000108.5(DLD):c.1157A>G (p.Tyr386Cys)

Gene: DLD (dihydrolipoamide dehydrogenase; plus strand). Cytogenetic location: 7q31.1.
Variant type: single nucleotide variant.
Coding change: c.1157A>G on transcript NM_000108.5 (MANE Select); coding-DNA position 1157, A replaced by G.
Protein change: p.Tyr386Cys; replaces tyrosine 386 with cysteine.
Molecular consequence: missense variant.
Genome position (GRCh38, 1-based): chr7:107,917,383, A>G. VCF-style: chr7-107917383-A-G. GRCh37 (hg19) VCF-style: chr7-107557828-A-G.
Other names: c.860A>G, p.Tyr287Cys (NM_001289750.1); c.1088A>G, p.Tyr363Cys (NM_001289751.1); c.1013A>G, p.Tyr338Cys (NM_001289752.1); short protein forms Y287C, Y338C, Y386C, Y363C.
Identifiers: ClinVar variation 3840265 (VCV003840265.2).
Genomic context (GRCh38, chr7:107,917,383, plus strand): 5'-CAGAGGATGAAGGCATTATCTGTGTTGAAGGAATGGCTGGTGGTGCTGTGCACATTGACT[A>G]CAATTGTGTGCCATCAGTGATTTACACACACCCTGAAGTTGCTTGGGTTGGCAAATCAGA-3'
Protein context (NP_000099.2, residues 376-396): GMAGGAVHID[Tyr386Cys]NCVPSVIYTH

ClinVar aggregate classification (germline): Uncertain significance. Review status: criteria provided, multiple submitters, no conflicts (2 of 4 stars). 2 submissions from 2 submitters: Uncertain significance (2). Last evaluated 2025-07-07.

Conditions:
Inborn genetic diseases. Identifiers: MedGen C0950123, MeSH D030342.

gnomAD v4.1: 15 of 1,614,056 alleles (0.00093%); highest among the groups gnomAD compares: South Asian, 0.0011%; no homozygotes.

Submissions (2):

GeneDx
Classification: Uncertain significance. Last evaluated: 2025-07-07. Review status: criteria provided, single submitter. Criteria: GeneDx Variant Classification Process June 2021. Collection method: clinical testing. Allele origin: germline. Affected: yes.
Comment: Not observed at significant frequency in large population cohorts (gnomAD); In silico analysis supports that this missense variant has a deleterious effect on protein structure/function; Has not been previously published as pathogenic or benign to our knowledge

Ambry Genetics
Classification: Uncertain significance for Inborn genetic diseases. Last evaluated: 2025-03-04. Review status: criteria provided, single submitter. Criteria: Ambry Variant Classification Scheme 2023. Collection method: clinical testing. Allele origin: germline.